The following is an entry in ClinVar:

NM_000021.4(PSEN1):c.421A>G (p.Ser141Gly)

Gene: PSEN1 (presenilin 1; plus strand). Cytogenetic location: 14q24.2.
Variant type: single nucleotide variant.
Coding change: c.421A>G on transcript NM_000021.4 (MANE Select); coding-DNA position 421, A replaced by G.
Protein change: p.Ser141Gly; replaces serine 141 with glycine.
Molecular consequence: missense variant.
Genome position (GRCh38, 1-based): chr14:73,173,648, A>G. VCF-style: chr14-73173648-A-G. GRCh37 (hg19) VCF-style: chr14-73640356-A-G.
Other names: c.409A>G, p.Ser137Gly (NM_007318.3); short protein forms S137G, S141G.
Identifiers: ClinVar variation 3754497 (VCV003754497.2).
Genomic context (GRCh38, chr14:73,173,648, plus strand): 5'-GATACCGAGACTGTGGGCCAGAGAGCCCTGCACTCAATTCTGAATGCTGCCATCATGATC[A>G]GTGTCATTGTTGTCATGACTATCCTCCTGGTGGTTCTGTATAAATACAGGTGCTATAAGG-3'
Protein context (NP_000012.1, residues 131-151): HSILNAAIMI[Ser141Gly]VIVVMTILLV

ClinVar aggregate classification (germline): Uncertain significance (1 of 4 stars; one submission).

Conditions:
Pick disease. Also called: PICK DISEASE OF BRAIN; DEMENTIA WITH LOBAR ATROPHY AND NEURONAL CYTOPLASMIC INCLUSIONS; LOBAR ATROPHY OF BRAIN; Pick's disease; Pick Disease of the Brain. Identifiers: Orphanet 282, MedGen C0236642, MONDO:0008243, OMIM 172700.
Frontotemporal dementia (FTD1). Also called: Frontotemporal lobe dementia (FLDEM); FRONTOTEMPORAL LOBAR DEGENERATION WITH TAU INCLUSIONS; FTLD WITH TAU INCLUSIONS; Frontotemporal Dementia with Parkinsonism-17 (FTDP-17); FRONTOTEMPORAL DEMENTIA WITH PARKINSONISM; FRONTOTEMPORAL LOBE DEMENTIA. Identifiers: Orphanet 282, MedGen C0338451, MONDO:0017276, OMIM 600274, HP:0002145.
Acne inversa, familial, 3 (ACNINV3). Identifiers: MedGen C3151038, MONDO:0013398, OMIM 613737.
Alzheimer disease 3 (AD3). Also called: ALZHEIMER DISEASE, FAMILIAL, 3. Identifiers: Orphanet 1020, MedGen C1843013, MONDO:0011913, OMIM 607822.

gnomAD v4.1: 1 of 1,613,964 alleles (0.000062%); highest among the groups gnomAD compares: South Asian, 0.0011%; no homozygotes.

Submission:

Labcorp Genetics (formerly Invitae), Labcorp
Classification: Uncertain significance for Alzheimer disease 3; Pick disease; Acne inversa, familial, 3; Frontotemporal dementia. Last evaluated: 2024-02-08. Review status: criteria provided, single submitter. Criteria: Invitae Variant Classification Sherloc (09022015). Collection method: clinical testing. Allele origin: germline.
Comment: This sequence change replaces serine, which is neutral and polar, with glycine, which is neutral and non-polar, at codon 141 of the PSEN1 protein (p.Ser141Gly). This variant is not present in population databases (gnomAD no frequency). This variant has not been reported in the literature in individuals affected with PSEN1-related conditions. Advanced modeling of protein sequence and biophysical properties (such as structural, functional, and spatial information, amino acid conservation, physicochemical variation, residue mobility, and thermodynamic stability) performed at Invitae indicates that this missense variant is not expected to disrupt PSEN1 protein function with a negative predictive value of 80%. Experimental studies have shown that this missense change affects PSEN1 function (PMID: 30958370). In summary, the available evidence is currently insufficient to determine the role of this variant in disease. Therefore, it has been classified as a Variant of Uncertain Significance.

Literature cited by the submitters: PubMed 30958370.